The following is an entry in ClinVar:

NM_001844.5(COL2A1):c.610-85G>A

Gene: COL2A1 (collagen type II alpha 1 chain; minus strand). Cytogenetic location: 12q13.11.
Variant type: single nucleotide variant.
Coding change: c.610-85G>A on transcript NM_001844.5 (MANE Select); 85 bases into the intron before coding-DNA position 610, G replaced by A.
Molecular consequence: intron variant.
Genome position (GRCh38, 1-based): chr12:47,996,004, C>T on the plus strand (G>A on the coding strand, the complement: COL2A1 is on the minus strand). VCF-style: chr12-47996004-C-T. GRCh37 (hg19) VCF-style: chr12-48389787-C-T.
Other names: c.403-85G>A (NM_033150.3).
Identifiers: ClinVar variation 4279546 (VCV004279546.1).
Genomic context (GRCh38, chr12:47,996,004, plus strand): 5'-GTTTACTACACATGCTTCCTCAGTGGCCTCCAGTGTGCCATCTTCTCCCAGCCAACAGCC[C>T]GGGCAAAGGACAAGAAGTTACTCTGTGGGCAAGGGGCCTAGAGTGGCTGCTCCCTCTCAT-3'

ClinVar aggregate classification (germline): Uncertain significance (1 of 4 stars; one submission).

Conditions:
COL2A1-related disorder. Also called: COL2A1-related condition; COL2A1-related disorders.

gnomAD v4.1: 25 of 1,118,316 alleles (0.0022%); highest among the groups gnomAD compares: Middle Eastern, 0.024%; no homozygotes.

Submission:

Department of Paediatrics at Addenbrookes, Cambridge University Hospitals NHS Foundation Trust (UK)
Classification: Uncertain significance for COL2A1-related disorder. Last evaluated: 2025-05-27. Review status: criteria provided, single submitter. Criteria: Durkie Uk Practice Guidelines For Variant Classification V12 2024 (1). Collection method: clinical testing. Allele origin: unknown.
Comment: PP3_Supporting